The following is an entry in ClinVar:

ClinVar aggregate classification (germline): Uncertain significance (1 of 4 stars; one submission).

Conditions:
Autosomal dominant nonsyndromic hearing loss 1. Also called: DEAFNESS, AUTOSOMAL DOMINANT 1, WITH OR WITHOUT THROMBOCYTOPENIA; KONIGSMARK SYNDROME. Identifiers: Orphanet 90635, MedGen C1852282, MONDO:0007424, OMIM 124900.
Progressive microcephaly-seizures-cortical blindness-developmental delay syndrome. Also called: Seizures, cortical blindness, and microcephaly syndrome. Identifiers: Orphanet 477814, MedGen C5567650, MONDO:0014714, OMIM 616632.

Submission:

Labcorp Genetics (formerly Invitae), Labcorp
Classification: Uncertain significance for Progressive microcephaly-seizures-cortical blindness-developmental delay syndrome; Autosomal dominant nonsyndromic hearing loss 1. Last evaluated: 2023-10-09. Review status: criteria provided, single submitter. Criteria: Invitae Variant Classification Sherloc (09022015). Collection method: clinical testing. Allele origin: germline.
Comment: This sequence change replaces glycine, which is neutral and non-polar, with valine, which is neutral and non-polar, at codon 924 of the DIAPH1 protein (p.Gly924Val). This variant is not present in population databases (gnomAD no frequency). This variant has not been reported in the literature in individuals affected with DIAPH1-related conditions. An algorithm developed to predict the effect of missense changes on protein structure and function (PolyPhen-2) suggests that this variant is likely to be tolerated. In summary, the available evidence is currently insufficient to determine the role of this variant in disease. Therefore, it has been classified as a Variant of Uncertain Significance.

NM_005219.5(DIAPH1):c.2771G>T (p.Gly924Val)

Gene: DIAPH1 (diaphanous related formin 1; minus strand). Cytogenetic location: 5q31.3.
Variant type: single nucleotide variant.
Coding change: c.2771G>T on transcript NM_005219.5 (MANE Select); coding-DNA position 2771, G replaced by T.
Protein change: p.Gly924Val; replaces glycine 924 with valine.
Molecular consequence: missense variant.
Genome position (GRCh38, 1-based): chr5:141,529,179, C>A on the plus strand (G>T on the coding strand, the complement: DIAPH1 is on the minus strand). VCF-style: chr5-141529179-C-A. GRCh37 (hg19) VCF-style: chr5-140908746-C-A.
Other names: c.2744G>T, p.Gly915Val (NM_001079812.3); c.2771G>T, p.Gly924Val (NM_001314007.2); short protein forms G915V, G924V.
Identifiers: ClinVar variation 2952734 (VCV002952734.3), dbSNP rs2513626392, ClinGen allele CA361585628.